The following is an entry in ClinVar:

ClinVar aggregate classification (germline): Uncertain significance. Review status: criteria provided, multiple submitters, no conflicts (2 of 4 stars). 2 submissions from 2 submitters: Uncertain significance (2). Last evaluated 2025-03-01.

Conditions:
Primary ciliary dyskinesia. Also called: Ciliary dyskinesia. Identifiers: Orphanet 244, MedGen C0008780, MONDO:0016575, HP:0012265.

Submissions (2):

Ambry Genetics
Classification: Uncertain significance for Primary ciliary dyskinesia. Last evaluated: 2025-03-01. Review status: criteria provided, single submitter. Criteria: Ambry Variant Classification Scheme 2023. Collection method: clinical testing. Allele origin: germline.

Labcorp Genetics (formerly Invitae), Labcorp
Classification: Uncertain significance for Primary ciliary dyskinesia. Last evaluated: 2024-07-05. Review status: criteria provided, single submitter. Criteria: Invitae Variant Classification Sherloc (09022015). Collection method: clinical testing. Allele origin: germline.
Comment: This sequence change replaces valine, which is neutral and non-polar, with glutamic acid, which is acidic and polar, at codon 3686 of the DNAH5 protein (p.Val3686Glu). This variant is not present in population databases (gnomAD no frequency). This variant has not been reported in the literature in individuals affected with DNAH5-related conditions. ClinVar contains an entry for this variant (Variation ID: 970148). Advanced modeling of protein sequence and biophysical properties (such as structural, functional, and spatial information, amino acid conservation, physicochemical variation, residue mobility, and thermodynamic stability) performed at Invitae indicates that this missense variant is not expected to disrupt DNAH5 protein function with a negative predictive value of 95%. In summary, the available evidence is currently insufficient to determine the role of this variant in disease. Therefore, it has been classified as a Variant of Uncertain Significance.

NM_001369.3(DNAH5):c.11057T>A (p.Val3686Glu)

Gene: DNAH5 (dynein axonemal heavy chain 5; minus strand). Cytogenetic location: 5p15.2.
Variant type: single nucleotide variant.
Coding change: c.11057T>A on transcript NM_001369.3 (MANE Select); coding-DNA position 11057, T replaced by A.
Protein change: p.Val3686Glu; replaces valine 3686 with glutamic acid.
Molecular consequence: missense variant.
Genome position (GRCh38, 1-based): chr5:13,751,232, A>T on the plus strand (T>A on the coding strand, the complement: DNAH5 is on the minus strand). VCF-style: chr5-13751232-A-T. GRCh37 (hg19) VCF-style: chr5-13751341-A-T.
Other names: short protein forms V3686E.
Identifiers: ClinVar variation 970148 (VCV000970148.6), dbSNP rs1750176019, ClinGen allele CA359189309.